The following is an entry in ClinVar:

NM_005902.4(SMAD3):c.309_311delinsGCC (p.Arg104Pro)

Gene: SMAD3 (SMAD family member 3; plus strand). Cytogenetic location: 15q22.33.
Variant type: Indel.
Coding change: c.309_311delinsGCC on transcript NM_005902.4 (MANE Select); coding-DNA positions 309 to 311, ACG replaced by GCC.
Protein change: p.Arg104Pro; replaces arginine 104 with proline.
Molecular consequence: missense variant. On other transcripts: 5 prime UTR variant (3).
Genome position (GRCh38, 1-based): chr15:67,164,997-67,164,999, ACG replaced by GCC. VCF-style: chr15-67164997-ACG-GCC. GRCh37 (hg19) VCF-style: chr15-67457335-ACG-GCC.
Other names: c.-7_-5delinsGCC (NM_001145102.2, NM_001407015.1, NM_001407016.1); c.177_179delinsGCC, p.Arg60Pro (NM_001145103.2); c.309_311delinsGCC, p.Arg104Pro (NM_001407011.1, NM_001407012.1, NM_001407013.1); c.162_164delinsGCC, p.Arg55Pro (NM_001407014.1); short protein forms R55P, R104P, R60P.
Identifiers: ClinVar variation 4170020 (VCV004170020.1).

ClinVar aggregate classification (germline): Uncertain significance (1 of 4 stars; one submission).

Conditions:
Familial thoracic aortic aneurysm and aortic dissection (TAAD). Also called: Thoracic aortic aneurysms and dissections. Identifiers: Orphanet 91387, MedGen C4707243, MONDO:0019625.

Submission:

Ambry Genetics
Classification: Uncertain significance for Familial thoracic aortic aneurysm and aortic dissection. Last evaluated: 2025-06-26. Review status: criteria provided, single submitter. Criteria: Ambry Variant Classification Scheme 2023. Collection method: clinical testing. Allele origin: germline.
Comment: The c.309_311delACGinsGCC variant, located in coding exon 2 of the SMAD3 gene, results from an in-frame deletion of ACG and insertion of GCC at nucleotide positions 309 to 311. This results in the substitution of the arginine residue for a proline residue at codon 104, an amino acid with dissimilar properties. This variant was reported in individual(s) with features consistent with Loeys-Dietz syndrome (Ambry internal data). This amino acid position is highly conserved in available vertebrate species. In addition, this alteration is predicted to be deleterious by in silico analysis. Based on the available evidence, the clinical significance of this variant remains unclear.